The following is an entry in ClinVar:

NM_005751.5(AKAP9):c.9358+167G>A

Gene: AKAP9 (A-kinase anchoring protein 9; plus strand). Cytogenetic location: 7q21.2.
Variant type: single nucleotide variant.
Coding change: c.9358+167G>A on transcript NM_005751.5 (MANE Select); 167 bases into the intron after coding-DNA position 9358, G replaced by A.
Molecular consequence: intron variant.
Genome position (GRCh38, 1-based): chr7:92,089,696, G>A. VCF-style: chr7-92089696-G-A. GRCh37 (hg19) VCF-style: chr7-91719010-G-A.
Other names: c.9334+167G>A (NM_147185.3); c.4003+167G>A (NM_001379277.1).
Identifiers: ClinVar variation 4821199 (VCV004821199.4).

ClinVar aggregate classification (germline): Benign (1 of 4 stars; one submission).

gnomAD v4.1: 1,076 of 793,278 alleles (0.14%); highest among the groups gnomAD compares: Middle Eastern, 0.27%; 1 homozygote.

Submission:

CeGaT Center for Human Genetics Tuebingen
Classification: Benign. Last evaluated: 2026-03-01. Review status: criteria provided, single submitter. Criteria: CeGaT Center For Human Genetics Tuebingen Variant Classification Criteria Version 2. Collection method: clinical testing. Allele origin: germline. Affected: yes. Observed: 1 variant allele.
Comment: AKAP9: BS1, BS2